The following is an entry in ClinVar:

ClinVar aggregate classification (germline): Uncertain significance. Review status: criteria provided, multiple submitters, no conflicts (2 of 4 stars). 3 submissions from 3 submitters: Uncertain significance (2). 1 of the submissions does not count toward it. Last evaluated 2020-10-28.

Conditions:
Retinal dystrophy. Also called: Inherited retinal dystrophy. Identifiers: Orphanet 71862, MedGen C0854723, MeSH D058499, MONDO:0019118, HP:0000556.

Allele frequency attached by ClinVar (database versions not stated): gnomAD exomes below 0.00001 and 0.00001.
gnomAD v4.1: 15 of 1,613,960 alleles (0.00093%); highest among the groups gnomAD compares: Non-Finnish European, 0.0013%; no homozygotes.

Submissions (3):

Labcorp Genetics (formerly Invitae), Labcorp
Classification: Uncertain significance. Last evaluated: 2020-10-28. Review status: criteria provided, single submitter. Criteria: Invitae Variant Classification Sherloc (09022015). Collection method: clinical testing. Allele origin: germline.
Comment: This sequence change replaces alanine with threonine at codon 73 of the REEP6 protein (p.Ala73Thr). The alanine residue is highly conserved and there is a small physicochemical difference between alanine and threonine. This variant is not present in population databases (ExAC no frequency). This variant has not been reported in the literature in individuals with REEP6-related conditions. Experimental studies and prediction algorithms are not available or were not evaluated, and the functional significance of this variant is currently unknown. In summary, the available evidence is currently insufficient to determine the role of this variant in disease. Therefore, it has been classified as a Variant of Uncertain Significance.

Blueprint Genetics
Classification: Uncertain significance. Last evaluated: 2019-01-04. Review status: criteria provided, single submitter. Criteria: ACMG Guidelines, 2015. Collection method: clinical testing. Allele origin: germline.

Institute of Human Genetics, Univ. Regensburg, Univ. Regensburg
Classification: Likely pathogenic for Retinal dystrophy. Last evaluated: 2019-01-01. Review status: no assertion criteria provided. Criteria: ACMG Guidelines, 2015. Collection method: clinical testing. Allele origin: germline. Affected: yes. Not counted in ClinVar's aggregate classification.

NM_138393.4(REEP6):c.217G>A (p.Ala73Thr)

Gene: REEP6 (receptor accessory protein 6; plus strand). Cytogenetic location: 19p13.3.
Variant type: single nucleotide variant.
Coding change: c.217G>A on transcript NM_138393.4 (MANE Select); coding-DNA position 217, G replaced by A.
Protein change: p.Ala73Thr; replaces alanine 73 with threonine.
Molecular consequence: missense variant.
Genome position (GRCh38, 1-based): chr19:1,495,476, G>A. VCF-style: chr19-1495476-G-A. GRCh37 (hg19) VCF-style: chr19-1495475-G-A.
Other names: c.217G>A, p.Ala73Thr (NM_001329556.3); short protein forms A73T.
Identifiers: ClinVar variation 1479370 (VCV001479370.8), dbSNP rs1169079754, ClinGen allele CA403056570.